The following is an entry in ClinVar:

ClinVar aggregate classification (germline): Conflicting classifications of pathogenicity. Review status: criteria provided, conflicting classifications (1 of 4 stars). 2 submissions from 2 submitters: Likely pathogenic (1); Uncertain significance (1). Last evaluated 2025-12-29.

Conditions:
Familial cancer of breast. Also called: hereditary breast carcinoma; BREAST CANCER, FAMILIAL; Hereditary breast cancer. Identifiers: Orphanet 227535, MedGen C0346153, MONDO:0016419, OMIM 114480. Disease mechanism: loss of function.

Submissions (2):

Center for Genomic Medicine, Rigshospitalet, Copenhagen University Hospital
Classification: Uncertain significance. Last evaluated: 2025-12-29. Review status: criteria provided, single submitter. Criteria: ACMG Guidelines, 2015. Collection method: clinical testing. Allele origin: germline.
Comment: Classification criteria: PP3, PM2_Supporting, PS1_Moderate

Myriad Genetics, Inc.
Classification: Likely pathogenic for Familial cancer of breast. Last evaluated: 2025-05-12. Review status: criteria provided, single submitter. Criteria: Myriad Autosomal Dominant, Autosomal Recessive and X-Linked Classification Criteria (2023). Collection method: clinical testing. Allele origin: unknown.
Comment: This variant is considered likely pathogenic. mRNA analysis has demonstrated abnormal mRNA splicing occurs [Myriad internal data].

Literature cited by the submitters: PubMed 27751358 (cited by Center for Genomic Medicine, Rigshospitalet, Copenhagen University Hospital).

NM_007194.4(CHEK2):c.683G>C (p.Ser228Thr)

Gene: CHEK2 (checkpoint kinase 2; minus strand). Cytogenetic location: 22q12.1.
Variant type: single nucleotide variant.
Coding change: c.683G>C on transcript NM_007194.4 (MANE Select); coding-DNA position 683, G replaced by C.
Protein change: p.Ser228Thr; replaces serine 228 with threonine.
Molecular consequence: missense variant. On other transcripts: intron variant (1).
Genome position (GRCh38, 1-based): chr22:28,719,395, C>G on the plus strand (G>C on the coding strand, the complement: CHEK2 is on the minus strand). VCF-style: chr22-28719395-C-G. GRCh37 (hg19) VCF-style: chr22-29115383-C-G.
Other names: c.812G>C, p.Ser271Thr (NM_001005735.3, NM_001438294.1); c.20G>C, p.Ser7Thr (NM_001257387.3, NM_001437942.1); c.776G>C, p.Ser259Thr (NM_001438293.1, NM_001438295.1); c.683G>C, p.Ser228Thr (NM_145862.3); c.482+5491G>C (NM_001349956.3); short protein forms S228T, S271T, S7T, S259T.
Identifiers: ClinVar variation 4071422 (VCV004071422.2).